The following is an entry in ClinVar:

ClinVar aggregate classification (germline): Uncertain significance (1 of 4 stars; one submission).

Allele frequency attached by ClinVar (database versions not stated): TOPMed below 0.00001.
gnomAD v4.1: 2 of 1,614,084 alleles (0.00012%); highest among the groups gnomAD compares: Non-Finnish European, 0.00017%; no homozygotes.

Submission:

Labcorp Genetics (formerly Invitae), Labcorp
Classification: Uncertain significance. Last evaluated: 2024-10-07. Review status: criteria provided, single submitter. Criteria: Invitae Variant Classification Sherloc (09022015). Collection method: clinical testing. Allele origin: germline.
Comment: This sequence change replaces histidine, which is basic and polar, with aspartic acid, which is acidic and polar, at codon 1906 of the CACNA1D protein (p.His1906Asp). This variant is not present in population databases (gnomAD no frequency). This variant has not been reported in the literature in individuals affected with CACNA1D-related conditions. ClinVar contains an entry for this variant (Variation ID: 1391719). An algorithm developed to predict the effect of missense changes on protein structure and function (PolyPhen-2) suggests that this variant is likely to be tolerated. In summary, the available evidence is currently insufficient to determine the role of this variant in disease. Therefore, it has been classified as a Variant of Uncertain Significance.

NM_001128840.3(CACNA1D):c.5656C>G (p.His1886Asp)

Gene: CACNA1D (calcium voltage-gated channel subunit alpha1 D; plus strand). Cytogenetic location: 3p21.1.
Variant type: single nucleotide variant.
Coding change: c.5656C>G on transcript NM_001128840.3 (MANE Select); coding-DNA position 5656, C replaced by G.
Protein change: p.His1886Asp; replaces histidine 1886 with aspartic acid.
Molecular consequence: missense variant.
Genome position (GRCh38, 1-based): chr3:53,805,053, C>G. VCF-style: chr3-53805053-C-G. GRCh37 (hg19) VCF-style: chr3-53839080-C-G.
Other names: c.5716C>G, p.His1906Asp (NM_000720.4); c.5584C>G, p.His1862Asp (NM_001128839.3); short protein forms H1862D, H1906D, H1886D.
Identifiers: ClinVar variation 1391719 (VCV001391719.6), dbSNP rs775381790, ClinGen allele CA353254636.
Genomic context (GRCh38, chr3:53,805,053, plus strand): 5'-GGCTACTACAGCAGATACCCAGGCAGAAACATCGACTCTGAGAGGCCCCGAGGCTACCAT[C>G]ATCCCCAAGGATTCTTGGAGGACGATGACTCGCCCGTTTGCTATGATTCACGGAGATCTC-3'
Protein context (NP_001122312.1, residues 1876-1896): IDSERPRGYH[His1886Asp]PQGFLEDDDS